The following is an entry in ClinVar:

ClinVar aggregate classification (germline): Uncertain significance (1 of 4 stars; one submission).

Submission:

GeneDx
Classification: Uncertain significance. Last evaluated: 2026-04-11. Review status: criteria provided, single submitter. Criteria: GeneDx Variant Classification Process June 2021. Collection method: clinical testing. Allele origin: germline.
Comment: Not observed at significant frequency in large population cohorts (gnomAD); In silico analysis suggests that this missense variant does not alter protein structure/function; Has not been previously published as pathogenic or benign to our knowledge

NM_017635.5(KMT5B):c.2393A>G (p.Asn798Ser)

Gene: KMT5B (lysine methyltransferase 5B; minus strand). Cytogenetic location: 11q13.2.
Variant type: single nucleotide variant.
Coding change: c.2393A>G on transcript NM_017635.5 (MANE Select); coding-DNA position 2393, A replaced by G.
Protein change: p.Asn798Ser; replaces asparagine 798 with serine.
Molecular consequence: missense variant.
Genome position (GRCh38, 1-based): chr11:68,157,953, T>C on the plus strand (A>G on the coding strand, the complement: KMT5B is on the minus strand). VCF-style: chr11-68157953-T-C. GRCh37 (hg19) VCF-style: chr11-67925420-T-C.
Other names: c.1877A>G, p.Asn626Ser (NM_001300907.1, NM_001369428.1, NM_001369429.1 and 4 more transcripts); c.1673A>G, p.Asn558Ser (NM_001300908.2); c.2393A>G, p.Asn798Ser (NM_001369426.1); short protein forms N558S, N626S, N798S.
Identifiers: ClinVar variation 5018419 (VCV005018419.1).